The following is an entry in ClinVar:

NM_004343.4(CALR):c.1103_1136del (p.Lys368fs)

Gene: CALR (calreticulin; plus strand). Cytogenetic location: 19p13.13.
Variant type: Deletion.
Coding change: c.1103_1136del on transcript NM_004343.4 (MANE Select); coding-DNA positions 1103 to 1136, 34 bases deleted.
Protein change: p.Lys368fs; shifts the reading frame from lysine 368.
Molecular consequence: frameshift variant.
Genome position (GRCh38, 1-based): chr19:12,943,762-12,943,795, 34 bases deleted; deleting any 34 consecutive bases within chr19:12,943,761-12,943,795 gives the same sequence; the c. name uses the placement nearest the transcript's 3' end. GRCh37 (hg19): chr19:13,054,576-13,054,609.
Other names: short protein forms K368fs.
Identifiers: ClinVar variation 5038034 (VCV005038034.1).

ClinVar aggregate classification (oncogenicity): Uncertain significance (1 of 4 stars; one submission).

Conditions:
Acute myeloid leukemia (AML). Also called: Acute myeloid leukemia, adult; AML adult; Acute non-lymphocytic leukemia; Acute granulocytic leukemia; Leukemia, acute myeloid, somatic; Leukemia, acute myelogenous, somatic. Identifiers: Orphanet 519, MedGen C0023467, MeSH D015470, MONDO:0018874, OMIM 601626, HP:0004808. Disease mechanism: Constitutively activated FLT3.

Submission:

Center for Virology of Infectious and Tropical Diseases (CVMIT), Mohammed V Military Teaching Hospital
Classification: Uncertain significance for Acute myeloid leukemia. Last evaluated: 2026-10-26. Review status: criteria provided, single submitter. Criteria: ClinGen/CGC/VICC Guidelines for Oncogenicity, 2022. Collection method: research. Allele origin: somatic. Affected: yes. Observed: 1 variant allele.
Comment: CALR p.Lys368ArgfsTer51. Oncogenicity classified with the ClinGen/CGC/VICC SOP (Horak et al. 2022, PMID:35101336). Criteria applied: OS2: exon 9 frameshift with a net -1 nucleotide change (34-bp deletion, same reading frame as the type 1 52-bp deletion) generating the mutant CALR C-terminus that binds and activates MPL (PMID:26668133, PMID:26951227, PMID:26608331); CALR exon 9 frameshifts are recurrent MPN drivers (PMID:24325356, PMID:24325359). OP4 not assessed (indel). Total 4 points (Uncertain significance). ClinVar at analysis (release 2022-07-09, used by Ion Reporter): not present. No current ClinVar record (consulted 2026-10-29).

Literature cited by the submitters: PubMed 26668133; PubMed 26951227; PubMed 26608331; PubMed 24325356; PubMed 24325359.